The following is an entry in ClinVar:

ClinVar aggregate classification (germline): Benign/Likely benign. Review status: criteria provided, multiple submitters, no conflicts (2 of 4 stars). 7 submissions from 7 submitters: Benign (3); Likely benign (1). 3 of the submissions do not count toward it. Last evaluated 2026-01-26.

Conditions:
COL9A3-related disorder. Also called: COL9A3-related condition.
Connective tissue disorder. Also called: Connective tissue disease. Identifiers: MedGen C0009782, MONDO:0003900.

Allele frequency attached by ClinVar (database versions not stated): TOPMed 0.00050; ESP Exome Variant Server 0.00100; 1000 Genomes Project 30x 0.00125; 1000 Genomes Project 0.00160; gnomAD exomes 0.00224 and 0.00545; gnomAD 0.00454; ExAC 0.00458.
gnomAD v4.1: 3,936 of 1,612,712 alleles (0.24%); highest among the groups gnomAD compares: Middle Eastern, 0.18%; 93 homozygotes.

Submissions (7):

Labcorp Genetics (formerly Invitae), Labcorp
Classification: Benign. Last evaluated: 2026-01-26. Review status: criteria provided, single submitter. Criteria: Invitae Variant Classification Sherloc (09022015). Collection method: clinical testing. Allele origin: germline.

CeGaT Center for Human Genetics Tuebingen
Classification: Likely benign. Last evaluated: 2024-01-01. Review status: criteria provided, single submitter. Criteria: CeGaT Center For Human Genetics Tuebingen Variant Classification Criteria Version 2. Collection method: clinical testing. Allele origin: germline. Affected: yes. Observed: 1 variant allele.
Comment: COL9A3: BS2

GeneDx
Classification: Benign. Last evaluated: 2018-10-09. Review status: criteria provided, single submitter. Criteria: GeneDx Variant Classification Process June 2021. Collection method: clinical testing. Allele origin: germline. Affected: yes.

Genome Diagnostics Laboratory, The Hospital for Sick Children
Classification: Benign for Connective tissue disorder. Last evaluated: 2018-10-01. Review status: criteria provided, single submitter. Criteria: ACMG Guidelines, 2015. Collection method: clinical testing. Allele origin: germline.

PreventionGenetics, part of Exact Sciences
Classification: Benign for COL9A3-related condition. Last evaluated: 2019-10-29. Review status: no assertion criteria provided. Collection method: clinical testing. Allele origin: germline. Not counted in ClinVar's aggregate classification.
Comment: This variant is classified as benign based on ACMG/AMP sequence variant interpretation guidelines (Richards et al. 2015 PMID: 25741868, with internal and published modifications).

Clinical Genetics DNA and cytogenetics Diagnostics Lab, Erasmus MC, Erasmus Medical Center
Classification: Likely benign. Review status: no assertion criteria provided. Collection method: clinical testing. Allele origin: germline. Affected: yes. Study: VKGL Data-share Consensus. Not counted in ClinVar's aggregate classification.

Laboratory of Diagnostic Genome Analysis, Leiden University Medical Center (LUMC)
Classification: Likely benign. Review status: no assertion criteria provided. Collection method: clinical testing. Allele origin: germline. Affected: yes. Study: VKGL Data-share Consensus. Not counted in ClinVar's aggregate classification.

NM_001853.4(COL9A3):c.209C>T (p.Pro70Leu)

Gene: COL9A3 (collagen type IX alpha 3 chain; plus strand). Cytogenetic location: 20q13.33.
Variant type: single nucleotide variant.
Coding change: c.209C>T on transcript NM_001853.4 (MANE Select); coding-DNA position 209, C replaced by T.
Protein change: p.Pro70Leu; replaces proline 70 with leucine.
Molecular consequence: missense variant.
Genome position (GRCh38, 1-based): chr20:62,819,247, C>T. VCF-style: chr20-62819247-C-T. GRCh37 (hg19) VCF-style: chr20-61450599-C-T.
Other names: c.209C>T, p.Pro70Leu (LRG_1253t1); short protein forms P70L.
Identifiers: ClinVar variation 339268 (VCV000339268.42), dbSNP rs143307835, ClinGen allele CA9949069.